The following is an entry in ClinVar:

NM_004100.5(EYA4):c.*2968T>A

Genes: TARID (TCF21 antisense RNA inducing promoter demethylation; minus strand), EYA4 (EYA transcriptional coactivator and phosphatase 4; plus strand). Cytogenetic location: 6q23.2.
Variant type: single nucleotide variant.
Coding change: c.*2968T>A on transcript NM_004100.5 (MANE Select); 2968 bases downstream of the stop codon, T replaced by A.
Molecular consequence: 3 prime UTR variant.
Genome position (GRCh38, 1-based): chr6:133,531,773, T>A. VCF-style: chr6-133531773-T-A. GRCh37 (hg19) VCF-style: chr6-133852911-T-A.
Other names: NC_000006.11:g.133852911T>A; c.*2968T>A (NM_001301012.2, NM_001301013.2, NM_001370458.1 and 3 more transcripts).
Identifiers: ClinVar variation 355476 (VCV000355476.6), dbSNP rs181492427, ClinGen allele CA10623020.

ClinVar aggregate classification (germline): Benign/Likely benign. Review status: criteria provided, single submitter (1 of 4 stars). 2 submissions from 1 submitter: Benign (1); Likely benign (1). Last evaluated 2018-01-13.

Conditions:
Dilated cardiomyopathy 1J (CMD1J). Also called: CARDIOMYOPATHY, DILATED, WITH SENSORINEURAL HEARING LOSS, AUTOSOMAL DOMINANT. Identifiers: Orphanet 217622, MedGen C1854368, MONDO:0011541, OMIM 605362.
Autosomal dominant nonsyndromic hearing loss 10. Identifiers: Orphanet 90635, MedGen C1832476, MONDO:0011031, OMIM 601316.

Allele frequency attached by ClinVar (database versions not stated): 1000 Genomes Project 0.00359; TOPMed 0.00364; 1000 Genomes Project 30x 0.00375.

Submissions (3):

Illumina Laboratory Services, Illumina
Classification: Likely benign for Dilated cardiomyopathy 1J. Last evaluated: 2018-01-13. Review status: criteria provided, single submitter. Criteria: ICSL Variant Classification Criteria 13 December 2019. Collection method: clinical testing. Allele origin: germline.
Comment: This variant was observed in the ICSL laboratory as part of a predisposition screen in an ostensibly healthy population. It had not been previously curated by ICSL or reported in the Human Gene Mutation Database (HGMD: prior to June 1st, 2018), and was therefore a candidate for classification through an automated scoring system. Utilizing variant allele frequency, disease prevalence and penetrance estimates, and inheritance mode, an automated score was calculated to assess if this variant is too frequent to cause the disease. Based on the score and internal cut-off values, a variant classified as likely benign is not then subjected to further curation. The score for this variant resulted in a classification of likely benign for this disease.

Illumina Laboratory Services, Illumina
Classification: Benign for Autosomal dominant nonsyndromic hearing loss 10. Last evaluated: 2018-01-13. Review status: criteria provided, single submitter. Criteria: ICSL Variant Classification Criteria 13 December 2019. Collection method: clinical testing. Allele origin: germline.
Comment: This variant was observed in the ICSL laboratory as part of a predisposition screen in an ostensibly healthy population. It had not been previously curated by ICSL or reported in the Human Gene Mutation Database (HGMD: prior to June 1st, 2018), and was therefore a candidate for classification through an automated scoring system. Utilizing variant allele frequency, disease prevalence and penetrance estimates, and inheritance mode, an automated score was calculated to assess if this variant is too frequent to cause the disease. Based on the score and internal cut-off values, a variant classified as benign is not then subjected to further curation. The score for this variant resulted in a classification of benign for this disease.

Dr. Peter K. Rogan Lab, Western University
No classification provided (evidence only). Condition: Ovarian serous cystadenocarcinoma. Review status: no classification provided. Collection method: in vitro. Allele origin: not applicable. Functional consequence: retained intron. Not counted in ClinVar's aggregate classification.